The following is an entry in ClinVar:

NM_004958.4(MTOR):c.5482G>A (p.Ala1828Thr)

Gene: MTOR (mechanistic target of rapamycin kinase; minus strand). Cytogenetic location: 1p36.22.
Variant type: single nucleotide variant.
Coding change: c.5482G>A on transcript NM_004958.4 (MANE Select); coding-DNA position 5482, G replaced by A.
Protein change: p.Ala1828Thr; replaces alanine 1828 with threonine.
Molecular consequence: missense variant.
Genome position (GRCh38, 1-based): chr1:11,130,660, C>T on the plus strand (G>A on the coding strand, the complement: MTOR is on the minus strand). VCF-style: chr1-11130660-C-T. GRCh37 (hg19) VCF-style: chr1-11190717-C-T.
Other names: c.5482G>A, p.Ala1828Thr (NM_001386500.1); c.4234G>A, p.Ala1412Thr (NM_001386501.1); short protein forms A1412T, A1828T.
Identifiers: ClinVar variation 3606619 (VCV003606619.3).

ClinVar aggregate classification (germline): Uncertain significance. Review status: criteria provided, multiple submitters, no conflicts (2 of 4 stars). 2 submissions from 2 submitters: Uncertain significance (2). Last evaluated 2025-12-18.

Conditions:
MTOR-related disorder. Also called: MTOR-related condition.

gnomAD v4.1: 14 of 1,612,492 alleles (0.00087%); highest among the groups gnomAD compares: African/African-American, 0.0013%; no homozygotes.

Submissions (2):

PreventionGenetics, part of Exact Sciences
Classification: Uncertain significance for MTOR-related condition. Last evaluated: 2025-12-18. Review status: criteria provided, single submitter. Criteria: ACMG Guidelines, 2015. Collection method: clinical testing. Allele origin: germline.
Comment: The MTOR c.5482G>A variant is predicted to result in the amino acid substitution p.Ala1828Thr. To our knowledge, this variant has not been reported in the literature. This variant is reported in 0.0041% of alleles in individuals of African descent in gnomAD. At this time, the clinical significance of this variant is uncertain due to the absence of conclusive functional and genetic evidence.

Labcorp Genetics (formerly Invitae), Labcorp
Classification: Uncertain significance. Last evaluated: 2024-05-05. Review status: criteria provided, single submitter. Criteria: Invitae Variant Classification Sherloc (09022015). Collection method: clinical testing. Allele origin: germline.
Comment: This sequence change replaces alanine, which is neutral and non-polar, with threonine, which is neutral and polar, at codon 1828 of the MTOR protein (p.Ala1828Thr). This variant is present in population databases (rs745356268, gnomAD 0.004%). This variant has not been reported in the literature in individuals affected with MTOR-related conditions. Advanced modeling of protein sequence and biophysical properties (such as structural, functional, and spatial information, amino acid conservation, physicochemical variation, residue mobility, and thermodynamic stability) performed at Invitae indicates that this missense variant is not expected to disrupt MTOR protein function with a negative predictive value of 95%. In summary, the available evidence is currently insufficient to determine the role of this variant in disease. Therefore, it has been classified as a Variant of Uncertain Significance.